The following is an entry in ClinVar:

NM_002693.3(POLG):c.660-290T>C

Genes: POLG (DNA polymerase gamma, catalytic subunit; minus strand), POLGARF (POLG alternative reading frame; minus strand). Cytogenetic location: 15q26.1.
Variant type: single nucleotide variant.
Coding change: c.660-290T>C on transcript NM_002693.3 (MANE Select); 290 bases into the intron before coding-DNA position 660, T replaced by C.
Molecular consequence: intron variant.
Genome position (GRCh38, 1-based): chr15:89,330,566, A>G on the plus strand (T>C on the coding strand, the complement: POLG is on the minus strand). VCF-style: chr15-89330566-A-G. GRCh37 (hg19) VCF-style: chr15-89873797-A-G.
Other names: c.660-290T>C (NM_001126131.2).
Identifiers: ClinVar variation 680713 (VCV000680713.1), dbSNP rs758130, ClinGen allele CA14089291.
Genomic context (GRCh38, chr15:89,330,566, plus strand): 5'-AAATGGAACTACTGGGCTATTAGACCTACGTGCAGGTATTCTATTACAGCCTGGGCTATC[A>G]AGGTGTTTGCTAGGCCCAGCGTTCACTGAGTCTGCATCTAGCTCTGAGGTTTTATGAACA-3'

ClinVar aggregate classification (germline): Benign (1 of 4 stars; one submission).

Allele frequency attached by ClinVar (database versions not stated): 1000 Genomes Project 0.33187; 1000 Genomes Project 30x 0.33401; TOPMed 0.35582; gnomAD 0.36607 and 0.36615.
gnomAD v4.1: 55,669 of 152,024 alleles (37%); highest among the groups gnomAD compares: Non-Finnish European, 40%; 10,490 homozygotes.

Submission:

GeneDx
Classification: Benign. Last evaluated: 2018-06-14. Review status: criteria provided, single submitter. Criteria: GeneDx Variant Classification (06012015). Collection method: clinical testing. Allele origin: germline. Affected: yes.
Comment: This variant is considered likely benign or benign based on one or more of the following criteria: it is a conservative change, it occurs at a poorly conserved position in the protein, it is predicted to be benign by multiple in silico algorithms, and/or has population frequency not consistent with disease.